The following is an entry in ClinVar:

ClinVar aggregate classification (germline): Pathogenic/Likely pathogenic. Review status: criteria provided, multiple submitters, no conflicts (2 of 4 stars). 6 submissions from 6 submitters: Pathogenic (1); Likely pathogenic (4). 1 of the submissions does not count toward it. Last evaluated 2026-06-24.

Conditions:
Hereditary cancer-predisposing syndrome. Also called: Tumor predisposition; Neoplastic Syndromes, Hereditary; Hereditary Cancer Syndrome; Hereditary neoplastic syndrome. Identifiers: Orphanet 140162, MedGen C0027672, MeSH D009386, MONDO:0015356.
Familial adenomatous polyposis 1 (FAP1). Also called: POLYPOSIS, ADENOMATOUS INTESTINAL; FAMILIAL ADENOMATOUS POLYPOSIS 1, ATTENUATED. Identifiers: MedGen C2713442, MONDO:0021056, OMIM 175100. Disease mechanism: loss of function.

Submissions (6):

Ambry Genetics
Classification: Likely pathogenic for Hereditary cancer-predisposing syndrome. Last evaluated: 2026-06-24. Review status: criteria provided, single submitter. Criteria: Ambry Variant Classification Scheme 2023. Collection method: clinical testing. Allele origin: germline.
Comment: The c.422+2T>C intronic variant results from a T to C substitution two nucleotides after coding exon 3 in the APC gene. This variant was reported in individuals with features consistent with APC-related familial adenomatous polyposis (Ambry internal data). This variant is considered to be rare based on population cohorts in the Genome Aggregation Database (gnomAD). This nucleotide position is highly conserved in available vertebrate species. In silico splice site analysis predicts that this alteration will weaken the native splice donor site; however, direct evidence is insufficient at this time (Ambry internal data). Variants that disrupt the canonical splice site are expected to cause aberrant splicing, resulting in an abnormal protein or a transcript that is subject to nonsense-mediated mRNA decay. As such, this variant is classified as likely pathogenic.

Labcorp Genetics (formerly Invitae), Labcorp
Classification: Likely pathogenic for Familial adenomatous polyposis 1. Last evaluated: 2023-06-16. Review status: criteria provided, single submitter. Criteria: Invitae Variant Classification Sherloc (09022015). Collection method: clinical testing. Allele origin: germline.
Comment: In summary, the currently available evidence indicates that the variant is pathogenic, but additional data are needed to prove that conclusively. Therefore, this variant has been classified as Likely Pathogenic. Studies have shown that disruption of this splice site results in skipping of exon 4 as well as activation of a cryptic splice site and introduces a premature termination codon (Invitae). The resulting mRNA is expected to undergo nonsense-mediated decay. ClinVar contains an entry for this variant (Variation ID: 246235). Disruption of this splice site has been observed in individual(s) with clinical features of familial adenomatous polyposis (PMID: 8381580, 23159591; Invitae). This variant is not present in population databases (gnomAD no frequency). This sequence change affects a donor splice site in intron 4 of the APC gene. RNA analysis indicates that disruption of this splice site induces altered splicing and may result in an absent or disrupted protein product.

Myriad Genetics, Inc.
Classification: Likely pathogenic for Familial adenomatous polyposis 1. Last evaluated: 2023-02-15. Review status: criteria provided, single submitter. Criteria: Myriad Autosomal Dominant, Autosomal Recessive and X-Linked Classification Criteria (2023). Collection method: clinical testing. Allele origin: unknown.
Comment: This variant is considered likely pathogenic. This variant occurs within a consensus splice junction and is predicted to result in abnormal mRNA splicing of either an out-of-frame exon or an in-frame exon necessary for protein stability and/or normal function.

MGZ Medical Genetics Center
Classification: Pathogenic for Familial adenomatous polyposis 1. Last evaluated: 2021-11-22. Review status: criteria provided, single submitter. Criteria: ACMG Guidelines, 2015. Collection method: clinical testing. Allele origin: germline. Affected: yes. Observed: 1 variant allele.
Comment: ACMG criteria applied: PVS1, PS1_SUP, PM2_SUP

GeneDx
Classification: Likely pathogenic. Last evaluated: 2015-12-17. Review status: criteria provided, single submitter. Criteria: GeneDx Variant Classification (06012015). Collection method: clinical testing. Allele origin: germline. Affected: yes.
Comment: This variant is denoted APC c.422+2T>C or IVS4+2T>C and consists of a T>C nucleotide substitution at the +2 position of intron 4 of the APC gene. This variant destroys a canonical splice donor site and is predicted to cause abnormal gene splicing, leading to either an abnormal message that is subject to nonsense-mediated mRNA decay or to an abnormal protein product. This variant has been identified in at least 2 individuals being evaluated for Familial Adenomatous Polyposis (FAP) (Lagarde 2010, Kerr 2013). Based on the currently available information, we consider APC c.422+2T>C to be a likely pathogenic variant.

Counsyl
Classification: Likely pathogenic for Familial adenomatous polyposis 1. Last evaluated: 2016-08-09. Review status: no assertion criteria provided. Collection method: clinical testing. Allele origin: unknown. Not counted in ClinVar's aggregate classification.

Literature cited by the submitters: PubMed 8381580 (cited by Labcorp Genetics (formerly Invitae), Labcorp); PubMed 23159591 (cited by Labcorp Genetics (formerly Invitae), Labcorp).

NM_000038.6(APC):c.422+2T>C

Gene: APC (APC regulator of Wnt signaling pathway; plus strand). Cytogenetic location: 5q22.2.
Variant type: single nucleotide variant.
Coding change: c.422+2T>C on transcript NM_000038.6 (MANE Select); the canonical splice donor site of the intron after coding-DNA position 422, T replaced by C.
Molecular consequence: splice donor variant.
Genome position (GRCh38, 1-based): chr5:112,767,392, T>C. VCF-style: chr5-112767392-T-C. GRCh37 (hg19) VCF-style: chr5-112103089-T-C.
Other names: c.-614+2T>C (NM_001407470.1, NM_001407472.1, NM_001354906.2 and 1 more transcripts); c.422+2T>C (NM_001407447.1, NM_001354895.2, NM_001407456.1 and 16 more transcripts); c.452+2T>C (NM_001407446.1, NM_001354897.2, NM_001354902.2 and 1 more transcripts); c.245+2T>C (NM_001407453.1, NM_001354900.2, NM_001354901.2 and 1 more transcripts); c.347+2T>C (NM_001407451.1, NM_001354898.2, NM_001354904.2).
Identifiers: ClinVar variation 246235 (VCV000246235.14), dbSNP rs879254169, ClinGen allele CA10584235.